The following is an entry in ClinVar:

ClinVar aggregate classification (germline): Uncertain significance. Review status: criteria provided, multiple submitters, no conflicts (2 of 4 stars). 2 submissions from 2 submitters: Uncertain significance (2). Last evaluated 2025-06-18.

Conditions:
Neurodevelopmental disorder. Identifiers: MedGen C1535926, MeSH D065886, MONDO:0700092.
Inborn genetic diseases. Identifiers: MedGen C0950123, MeSH D030342.

Allele frequency attached by ClinVar (database versions not stated): gnomAD exomes below 0.00001; ExAC 0.00001; gnomAD 0.00001; TOPMed 0.00001; ESP Exome Variant Server 0.00008.
gnomAD v4.1: 7 of 1,612,728 alleles (0.00043%); highest among the groups gnomAD compares: African/African-American, 0.0013%; no homozygotes.

Submissions (2):

Ambry Genetics
Classification: Uncertain significance for Inborn genetic diseases. Last evaluated: 2025-06-18. Review status: criteria provided, single submitter. Criteria: Ambry Variant Classification Scheme 2023. Collection method: clinical testing. Allele origin: germline.

Victorian Clinical Genetics Services, Murdoch Childrens Research Institute
Classification: Uncertain significance for Neurodevelopmental disorder. Last evaluated: 2020-10-19. Review status: criteria provided, single submitter. Criteria: ACMG Guidelines, 2015. Collection method: clinical testing. Allele origin: germline. Inheritance: Autosomal dominant inheritance. Affected: yes.
Comment: Based on the classification scheme VCGS_Germline_v1.3.3, this variant is classified as 3C-VUS. Following criteria are met: 0102 - Loss of function is a known mechanism of disease in this gene and is associated with TAOK1-related neurodevelopmental disorder. (I) 0107 - This gene is associated with autosomal dominant disease. (I) 0200 - Variant is predicted to result in a missense amino acid change from arginine to cysteine. (I) 0251 - This variant is heterozygous. (I) 0302 - Variant is present in gnomAD <0.001 for a dominant condition (1 heterozygote, 0 homozygotes in both v2 and v3). (SP) 0309 - An alternative amino acid change at the same position has been observed in gnomAD (v2) (5 heterozygotes, 0 homozygotes). (I) 0501 - Missense variant consistently predicted to be damaging by multiple in silico tools or highly conserved with a major amino acid change. (SP) 0600 - Variant is located in the annotated coiled-coil motif (PDB, UniProt, PMID: 31230721). (I) 0705 - No comparable missense variants have previous evidence for pathogenicity. (I) 0807 - This variant has no previous evidence of pathogenicity. (I) 0905 - No published segregation evidence has been identified for this variant. (I) 1007 - No published functional evidence has been identified for this variant. (I) 1208 - Inheritance information for this variant is not currently available in this individual. (I) Legend: (SP) - Supporting pathogenic, (I) - Information, (SB) - Supporting benign

Literature cited by the submitters: PubMed 31230721 (cited by Victorian Clinical Genetics Services, Murdoch Childrens Research Institute).

NM_020791.4(TAOK1):c.2494C>T (p.Arg832Cys)

Gene: TAOK1 (TAO kinase 1; plus strand). Cytogenetic location: 17q11.2.
Variant type: single nucleotide variant.
Coding change: c.2494C>T on transcript NM_020791.4 (MANE Select); coding-DNA position 2494, C replaced by T.
Protein change: p.Arg832Cys; replaces arginine 832 with cysteine.
Molecular consequence: missense variant.
Genome position (GRCh38, 1-based): chr17:29,534,250, C>T. VCF-style: chr17-29534250-C-T. GRCh37 (hg19) VCF-style: chr17-27861268-C-T.
Other names: c.2050C>T, p.Arg684Cys (NM_025142.1); short protein forms R684C, R832C.
Identifiers: ClinVar variation 1699022 (VCV001699022.4), dbSNP rs372056956, ClinGen allele CA8474869.